The following is an entry in ClinVar:

NM_133259.4(LRPPRC):c.2072C>G (p.Ser691Ter)

Gene: LRPPRC (leucine rich pentatricopeptide repeat containing; minus strand). Cytogenetic location: 2p21.
Variant type: single nucleotide variant.
Coding change: c.2072C>G on transcript NM_133259.4 (MANE Select); coding-DNA position 2072, C replaced by G.
Protein change: p.Ser691Ter; replaces serine 691 with a stop codon.
Molecular consequence: nonsense.
Genome position (GRCh38, 1-based): chr2:43,947,264, G>C on the plus strand (C>G on the coding strand, the complement: LRPPRC is on the minus strand). VCF-style: chr2-43947264-G-C. GRCh37 (hg19) VCF-style: chr2-44174403-G-C.
Other names: c.2072C>G (NM_133259.3); short protein forms S691*.
Identifiers: ClinVar variation 2866864 (VCV002866864.4), dbSNP rs372341254, ClinGen allele CA346674899.
Genomic context (GRCh38, chr2:43,947,264, plus strand): 5'-GTTACCAAGAATTTTTTGCCTTAATAATATTTAAATATTAAAACAAATGTTACCTCTTCT[G>C]AACAAAGCACTAATATGAGTTGCTTTAGGACATCTCTTATAGGTTGATTTTCAGCTTTTA-3'

ClinVar aggregate classification (germline): Pathogenic/Likely pathogenic. Review status: criteria provided, multiple submitters, no conflicts (2 of 4 stars). 2 submissions from 2 submitters: Pathogenic (1); Likely pathogenic (1). Last evaluated 2025-03-13.

Conditions:
Congenital lactic acidosis, Saguenay-Lac-Saint-Jean type (MC4DN5). Also called: CYTOCHROME c OXIDASE DEFICIENCY, FRENCH CANADIAN TYPE; COX DEFICIENCY, FRENCH CANADIAN TYPE; MITOCHONDRIAL COMPLEX IV DEFICIENCY, NUCLEAR TYPE 5. Identifiers: Orphanet 70472, MedGen C1857355, MONDO:0009069, OMIM 220111.

gnomAD v4.1: 1 of 1,545,250 alleles (0.000065%); no homozygotes.

Submissions (2):

Natera, Inc.
Classification: Likely pathogenic for French-Canadian type Leigh syndrome. Last evaluated: 2025-03-13. Review status: criteria provided, single submitter. Criteria: Natera Variant Classification Schema (03/2026). Collection method: clinical testing. Allele origin: germline.
Comment: The c.2072C>G variant in LRPPRC is a nonsense variant predicted to introduce a stop codon at amino acid 691. This variant is expected to result in nonsense mediated decay, truncation, or a dysfunctional protein product. This variant is rare in the general population with a frequency below the threshold expected for the associated phenotype(s). Given the available evidence, this variant is classified as Likely Pathogenic.

Labcorp Genetics (formerly Invitae), Labcorp
Classification: Pathogenic. Last evaluated: 2023-05-22. Review status: criteria provided, single submitter. Criteria: Invitae Variant Classification Sherloc (09022015). Collection method: clinical testing. Allele origin: germline.
Comment: For these reasons, this variant has been classified as Pathogenic. This variant has not been reported in the literature in individuals affected with LRPPRC-related conditions. This variant is not present in population databases (gnomAD no frequency). This sequence change creates a premature translational stop signal (p.Ser691*) in the LRPPRC gene. It is expected to result in an absent or disrupted protein product. Loss-of-function variants in LRPPRC are known to be pathogenic (PMID: 26510951).

Literature cited by the submitters: PubMed 26510951 (cited by Labcorp Genetics (formerly Invitae), Labcorp).